The following is an entry in ClinVar:

NM_080732.4(EGLN2):c.754A>C (p.Ser252Arg)

Genes: EGLN2 (egl-9 family hypoxia inducible factor 2; plus strand), RAB4B-EGLN2 (RAB4B-EGLN2 readthrough (NMD candidate); plus strand). Cytogenetic location: 19q13.2.
Variant type: single nucleotide variant.
Coding change: c.754A>C on transcript NM_080732.4 (MANE Select); coding-DNA position 754, A replaced by C.
Protein change: p.Ser252Arg; replaces serine 252 with arginine.
Molecular consequence: missense variant. On other transcripts: non-coding transcript variant (1).
Genome position (GRCh38, 1-based): chr19:40,801,326, A>C. VCF-style: chr19-40801326-A-C. GRCh37 (hg19) VCF-style: chr19-41307231-A-C.
Other names: c.754A>C, p.Ser252Arg (NM_053046.4); short protein forms S252R.
Identifiers: ClinVar variation 1759464 (VCV001759464.2), dbSNP rs1414313824, ClinGen allele CA405955908.
Genomic context (GRCh38, chr19:40,801,326, plus strand): 5'-CCGCGCAGCATCCGTGGGGACCAGATTGCCTGGGTGGAAGGCCATGAACCAGGCTGTCGA[A>C]GCATTGGTGCCCTCATGGCCCATGTGGACGCCGTCATCCGCCACTGCGCAGGGCGGCTGG-3'
Protein context (NP_542770.2, residues 242-262): WVEGHEPGCR[Ser252Arg]IGALMAHVDA

ClinVar aggregate classification (germline): Uncertain significance (1 of 4 stars; one submission).

Submission:

Ambry Genetics
Classification: Uncertain significance. Last evaluated: 2021-11-09. Review status: criteria provided, single submitter. Criteria: Ambry Variant Classification Scheme 2023. Collection method: clinical testing. Allele origin: germline.
Comment: The p.S252R variant (also known as c.754A>C), located in coding exon 1 of the EGLN2 gene, results from an A to C substitution at nucleotide position 754. The serine at codon 252 is replaced by arginine, an amino acid with dissimilar properties. This amino acid position is conserved. In addition, the in silico prediction for this alteration is inconclusive. Since supporting evidence is limited at this time, the clinical significance of this alteration remains unclear.